The following is an entry in ClinVar:

ClinVar aggregate classification (germline): Pathogenic. Review status: criteria provided, multiple submitters, no conflicts (2 of 4 stars). 8 submissions from 8 submitters: Pathogenic (8). Last evaluated 2026-08-06.

Conditions:
OFD1-related disorder. Also called: OFD1-related condition.
Joubert syndrome. Also called: JOUBERT-BOLTSHAUSER SYNDROME; Familial aplasia of the vermis. Identifiers: Orphanet 475, MedGen C5979921, MONDO:0018772.
Orofaciodigital syndrome I (OFD1). Also called: Papillon-Leage and Psaume Syndrome; OFDS I; Oral-Facial-Digital Syndrome Type I. Identifiers: Orphanet 2750, MedGen C1510460, MONDO:0010702, OMIM 311200.
Joubert syndrome 10 (JBTS10). Identifiers: Orphanet 2754, MedGen C2749019, MONDO:0010431, OMIM 300804.
Simpson-Golabi-Behmel syndrome type 2. Identifiers: Orphanet 79022, MedGen C1846175, MONDO:0010265, OMIM 300209.
Retinitis pigmentosa 23 (RP23). Identifiers: Orphanet 791, MedGen C1419610, MONDO:0010320, OMIM 300424.

Submissions (8):

OLLIN Analises Genomicas, OLLIN
Classification: Pathogenic for Orofaciodigital syndrome I. Last evaluated: 2026-08-06. Review status: criteria provided, single submitter. Criteria: ACMG Guidelines 2015 PMID 25741868. Collection method: clinical testing. Allele origin: de novo.
Comment: This frameshift variant, located in exon 5 (of 23), is absent from gnomAD but has been reported in ClinVar (accession VCV000041117.19) and in the scientific literature, also being identified de novo, in individuals with OFD1 related disorders (PMID: 18546297, 24884629). This variant causes a frameshift and introduces a premature stop codon, which is predicted to result in either a truncated protein or degradation of the mRNA via nonsense-mediated decay (NMD). According to the currently available evidence, this variant has been classified as pathogenic (PVS1, PS2, PM2_P).

Labcorp Genetics (formerly Invitae), Labcorp
Classification: Pathogenic for Orofaciodigital syndrome I; Joubert syndrome. Last evaluated: 2024-11-27. Review status: criteria provided, single submitter. Criteria: Invitae Variant Classification Sherloc (09022015). Collection method: clinical testing. Allele origin: germline.
Comment: This sequence change creates a premature translational stop signal (p.Glu134Ilefs*10) in the OFD1 gene. It is expected to result in an absent or disrupted protein product. Loss-of-function variants in OFD1 are known to be pathogenic (PMID: 16783569, 18546297, 27081566). This variant is not present in population databases (gnomAD no frequency). This premature translational stop signal has been observed in individual(s) with oral-facial-digital syndrome (PMID: 18546297). ClinVar contains an entry for this variant (Variation ID: 41117). For these reasons, this variant has been classified as Pathogenic.

Fulgent Genetics
Classification: Pathogenic for Simpson-Golabi-Behmel syndrome type 2; Retinitis pigmentosa 23; Joubert syndrome 10; Orofaciodigital syndrome I. Last evaluated: 2024-04-03. Review status: criteria provided, single submitter. Criteria: ACMG Guidelines, 2015. Collection method: clinical testing. Allele origin: germline.

Clinical Genetics Laboratory, Skane University Hospital Lund
Classification: Pathogenic. Last evaluated: 2022-07-13. Review status: criteria provided, single submitter. Criteria: ACMG Guidelines, 2015. Collection method: clinical testing. Allele origin: germline. Affected: yes.

Institute of Medical Genetics and Applied Genomics, University Hospital Tübingen
Classification: Pathogenic. Last evaluated: 2020-10-23. Review status: criteria provided, single submitter. Criteria: ACMG Guidelines, 2015. Collection method: clinical testing. Allele origin: germline. Inheritance: X-linked inheritance. Affected: yes.

Blueprint Genetics
Classification: Pathogenic for OFD1-related disorders. Last evaluated: 2019-11-01. Review status: criteria provided, single submitter. Criteria: ACMG Guidelines, 2015. Collection method: clinical testing. Allele origin: germline. Affected: yes. Observed: 1 variant allele.

Baylor Genetics
Classification: Pathogenic for Joubert syndrome 10; Orofaciodigital syndrome I; Simpson-Golabi-Behmel syndrome type 2. Last evaluated: 2017-12-31. Review status: criteria provided, single submitter. Criteria: ACMG Guidelines, 2015. Collection method: clinical testing. Allele origin: germline. Affected: yes.

Broad Center for Mendelian Genomics, Broad Institute of MIT and Harvard
Classification: Pathogenic for Joubert syndrome 10. Last evaluated: 2017-06-25. Review status: criteria provided, single submitter. Criteria: ACMG Guidelines, 2015. Collection method: research. Allele origin: germline. Inheritance: X-linked inheritance. Affected: yes. Observed: 1 variant allele. Study: Broad Institute Center for Mendelian Genomics (CMG).
Comment: Previously reported pathogenic in 2 manuscripts but unclear if same patient described (PMID: 18546297; PMID: 24884629). Protein truncating variants are a known disease mechainism (PVS1) and absent from gnomAD (PM2).

Literature cited by the submitters: PubMed 18546297 (cited by 4 submitters); PubMed 24884629 (cited by OLLIN Analises Genomicas, OLLIN and Broad Center for Mendelian Genomics, Broad Institute of MIT and Harvard); PubMed 16783569 (cited by Labcorp Genetics (formerly Invitae), Labcorp); PubMed 27081566 (cited by Labcorp Genetics (formerly Invitae), Labcorp).

NM_003611.3(OFD1):c.400_403del (p.Glu134fs)

Gene: OFD1 (OFD1 centriole and centriolar satellite protein; plus strand). Cytogenetic location: Xp22.2.
Variant type: Deletion.
Coding change: c.400_403del on transcript NM_003611.3 (MANE Select); coding-DNA positions 400 to 403, 4 bases deleted (GAAA; older notation c.400_403delGAAA).
Protein change: p.Glu134fs; shifts the reading frame from glutamic acid 134.
Molecular consequence: frameshift variant. On other transcripts: 5 prime UTR variant (1).
Genome position (GRCh38, 1-based): chrX:13,739,020-13,739,023, GAAA deleted; deleting any 4 consecutive bases within chrX:13,739,017-13,739,023 gives the same sequence; the c. name uses the placement nearest the transcript's 3' end. VCF-style (leftmost placement, unchanged base first): chrX-13739016-TAAAG-T. GRCh37 (hg19) VCF-style: chrX-13757135-TAAAG-T.
Other names: c.400_403del (NM_003611.2); c.400_403del, p.Glu134fs (NM_001330209.2); c.-146_-143del (NM_001330210.2); short protein forms E134fs.
Identifiers: ClinVar variation 41117 (VCV000041117.21), dbSNP rs312262830, ClinGen allele CA344012.